The following is an entry in ClinVar:

ClinVar aggregate classification (germline): Pathogenic (0 of 4 stars; one submission).

Conditions:
Intellectual disability. Also called: Intellectual functioning disability; intellectual disabilities; Intellectual developmental disorder. Identifiers: MedGen C3714756, MeSH D008607, MONDO:0001071, HP:0001249.

Submission:

Institute of Human Genetics, University of Leipzig Medical Center
Classification: Pathogenic for Intellectual disability. Last evaluated: 2021-02-25. Review status: no assertion criteria provided. Collection method: clinical testing. Allele origin: de novo. Inheritance: Autosomal dominant inheritance. Affected: yes. Observed: 1 variant allele, 1 heterozygote.
Comment: Inheritance was de novo (heterozygous). The variant was reviewed according to current ACMG recommendations and classified as Pathogenic (criteria: PVS1_VeryStrong, PS2_Moderate, PM2_Supporting).

Single allele

Gene: AUTS2 (activator of transcription and developmental regulator AUTS2; plus strand). Cytogenetic location: 7q11.22.
Variant type: Deletion.
Identifiers: ClinVar variation 997828 (VCV000997828.1).